The following is an entry in ClinVar:

NM_000059.4(BRCA2):c.3823dup (p.Ile1275fs)

Gene: BRCA2 (BRCA2 DNA repair associated; plus strand). Cytogenetic location: 13q13.1.
Variant type: Duplication.
Coding change: c.3823dup on transcript NM_000059.4 (MANE Select); coding-DNA position 3823, one base duplicated (A; older notation c.3823dupA).
Protein change: p.Ile1275fs; shifts the reading frame from isoleucine 1275.
Molecular consequence: frameshift variant.
Genome position (GRCh38, 1-based): chr13:32,338,178, A duplicated. VCF-style (leftmost placement, unchanged base first): chr13-32338177-G-GA. GRCh37 (hg19) VCF-style: chr13-32912314-G-GA.
Other names: short protein forms I1275fs.
Identifiers: ClinVar variation 1420554 (VCV001420554.6), dbSNP rs2137500323, ClinGen allele CA2573149340.

ClinVar aggregate classification (germline): Pathogenic (1 of 4 stars; one submission).

Conditions:
Hereditary breast ovarian cancer syndrome. Also called: Hereditary breast and/or ovarian cancer syndrome; BRCA1- and BRCA2-Associated Hereditary Breast and Ovarian Cancer; Hereditary breast and ovarian cancer syndrome; Hereditary breast and ovarian cancer; Hereditary breast and ovarian cancer syndrome (HBOC); Breast and ovarian cancer. Identifiers: Orphanet 145, MedGen C0677776, MeSH D061325, MONDO:0003582. Disease mechanism: loss of function.

Submission:

Labcorp Genetics (formerly Invitae), Labcorp
Classification: Pathogenic for Hereditary breast ovarian cancer syndrome. Last evaluated: 2021-11-14. Review status: criteria provided, single submitter. Criteria: Invitae Variant Classification Sherloc (09022015). Collection method: clinical testing. Allele origin: germline.
Comment: For these reasons, this variant has been classified as Pathogenic. This variant has not been reported in the literature in individuals affected with BRCA2-related conditions. This variant is not present in population databases (gnomAD no frequency). This sequence change creates a premature translational stop signal (p.Ile1275Asnfs*5) in the BRCA2 gene. It is expected to result in an absent or disrupted protein product. Loss-of-function variants in BRCA2 are known to be pathogenic (PMID: 20104584).

Literature cited by the submitters: PubMed 20104584.